The following is an entry in ClinVar:

ClinVar aggregate classification (germline): Uncertain significance (0 of 4 stars; one submission).

Conditions:
PDE4D-related disorder. Also called: PDE4D-related condition.

Submission:

PreventionGenetics, part of Exact Sciences
Classification: Uncertain significance for PDE4D-related condition. Last evaluated: 2024-03-10. Review status: no assertion criteria provided. Collection method: clinical testing. Allele origin: germline.
Comment: The PDE4D c.591C>G variant is predicted to result in the amino acid substitution p.Ser197Arg. To our knowledge, this variant has not been reported in the literature or in a large population database, indicating this variant is rare. At this time, the clinical significance of this variant is uncertain due to the absence of conclusive functional and genetic evidence.

NM_001104631.2(PDE4D):c.591C>G (p.Ser197Arg)

Gene: PDE4D (phosphodiesterase 4D; minus strand). Cytogenetic location: 5q11.2.
Variant type: single nucleotide variant.
Coding change: c.591C>G on transcript NM_001104631.2 (MANE Select); coding-DNA position 591, C replaced by G.
Protein change: p.Ser197Arg; replaces serine 197 with arginine.
Molecular consequence: missense variant. On other transcripts: 5 prime UTR variant (3).
Genome position (GRCh38, 1-based): chr5:59,215,833, G>C on the plus strand (C>G on the coding strand, the complement: PDE4D is on the minus strand). VCF-style: chr5-59215833-G-C. GRCh37 (hg19) VCF-style: chr5-58511659-G-C.
Other names: c.408C>G, p.Ser136Arg (NM_001165899.2, NM_001364599.1, NM_001364600.2); c.399C>G, p.Ser133Arg (NM_001197218.2, NM_001364601.1, NM_001364602.2); c.225C>G, p.Ser75Arg (NM_001197219.2); c.201C>G, p.Ser67Arg (NM_001197220.2); c.378C>G, p.Ser126Arg (NM_001349241.2); c.261C>G, p.Ser87Arg (NM_001349242.2); c.-104C>G (NM_001349243.2, NM_001364604.1); c.-360C>G (NM_001364603.1); and 1 more; short protein forms S126R, S133R, S136R, S197R, S61R, S67R, S75R, S87R.
Identifiers: ClinVar variation 3348700 (VCV003348700.1).